The following is an entry in ClinVar:

ClinVar aggregate classification (germline): Uncertain significance (1 of 4 stars; one submission).

Allele frequency attached by ClinVar (database versions not stated): ExAC 0.00002; gnomAD exomes 0.00002 and 0.00003; TOPMed 0.00003; gnomAD 0.00006.
gnomAD v4.1: 58 of 1,613,846 alleles (0.0036%); highest among the groups gnomAD compares: Non-Finnish European, 0.0048%; no homozygotes.

Submission:

GeneDx
Classification: Uncertain significance. Last evaluated: 2019-05-06. Review status: criteria provided, single submitter. Criteria: GeneDx Variant Classification Process June 2021. Collection method: clinical testing. Allele origin: germline. Affected: yes.
Comment: In silico analysis, which includes protein predictors and evolutionary conservation, supports a deleterious effect; This variant is associated with the following publications: (PMID: 23570448)

NM_005763.4(AASS):c.460G>A (p.Ala154Thr)

Gene: AASS (aminoadipate-semialdehyde synthase; minus strand). Cytogenetic location: 7q31.32.
Variant type: single nucleotide variant.
Coding change: c.460G>A on transcript NM_005763.4 (MANE Select); coding-DNA position 460, G replaced by A.
Protein change: p.Ala154Thr; replaces alanine 154 with threonine.
Molecular consequence: missense variant.
Genome position (GRCh38, 1-based): chr7:122,126,387, C>T on the plus strand (G>A on the coding strand, the complement: AASS is on the minus strand). VCF-style: chr7-122126387-C-T. GRCh37 (hg19) VCF-style: chr7-121766441-C-T.
Other names: short protein forms A154T.
Identifiers: ClinVar variation 1303164 (VCV001303164.2), dbSNP rs764000460, ClinGen allele CA4458645.